The following is an entry in ClinVar:

ClinVar aggregate classification (germline): Likely benign. Review status: criteria provided, multiple submitters, no conflicts (2 of 4 stars). 2 submissions from 2 submitters: Likely benign (2). Last evaluated 2025-09-15.

Conditions:
Tuberous sclerosis 2 (TSC2). Identifiers: Orphanet 805, MedGen C1860707, MONDO:0013199, OMIM 613254.

Submissions (2):

Labcorp Genetics (formerly Invitae), Labcorp
Classification: Likely benign for Tuberous sclerosis 2. Last evaluated: 2025-09-15. Review status: criteria provided, single submitter. Criteria: Invitae Variant Classification Sherloc (09022015). Collection method: clinical testing. Allele origin: germline.

Myriad Genetics, Inc.
Classification: Likely benign for Tuberous sclerosis 2. Last evaluated: 2025-06-05. Review status: criteria provided, single submitter. Criteria: Myriad Autosomal Dominant, Autosomal Recessive and X-Linked Classification Criteria (2023). Collection method: clinical testing. Allele origin: unknown.
Comment: This variant is considered likely benign. This variant is intronic and is not expected to impact mRNA splicing.

NM_000548.5(TSC2):c.4849+7_4849+10del

Gene: TSC2 (TSC complex subunit 2; plus strand). Cytogenetic location: 16p13.3.
Variant type: Deletion.
Coding change: c.4849+7_4849+10del on transcript NM_000548.5 (MANE Select); bases 7 to 10 of the intron after coding-DNA position 4849, 4 bases deleted (CCTG; older notation c.4849+7_4849+10delCCTG).
Molecular consequence: intron variant.
Genome position (GRCh38, 1-based): chr16:2,086,386-2,086,389, CCTG deleted; deleting any 4 consecutive bases within chr16:2,086,385-2,086,389 gives the same sequence; the c. name uses the placement nearest the transcript's 3' end. VCF-style (leftmost placement, unchanged base first): chr16-2086384-GGCCT-G. GRCh37 (hg19) VCF-style: chr16-2136385-GGCCT-G.
Other names: c.4780+7_4780+10del (NM_001114382.3); c.4720+7_4720+10del (NM_021055.3, NM_001370405.1); c.4651+7_4651+10del (NM_001363528.2); c.4717+7_4717+10del (NM_001370404.1); c.4648+7_4648+10del (NM_001077183.3); c.4540+7_4540+10del (NM_001318827.2); c.4117+7_4117+10del (NM_001318831.2); c.4504+7_4504+10del (NM_001318829.2); and 1 more.
Identifiers: ClinVar variation 798328 (VCV000798328.10), dbSNP rs1596439740, ClinGen allele CA915946314.
Genomic context (GRCh38, chr16:2,086,384, plus strand): 5'-CGTGTGTGGTGAGGACGGCCAGTTCACCTACTGCTGGCACGATGACATCATGCAAGGTAC[GGCCT>G]GGCGCCTACCCGCTCCTGCTGCCCCAGGCCTCAGGGCACGGCTCCCATCCAGTCCTGCTA-3'